The following is an entry in ClinVar:

NM_000587.4(C7):c.1205G>A (p.Arg402Gln)

Gene: C7 (complement C7; plus strand). Cytogenetic location: 5p13.1.
Variant type: single nucleotide variant.
Coding change: c.1205G>A on transcript NM_000587.4 (MANE Select); coding-DNA position 1205, G replaced by A.
Protein change: p.Arg402Gln; replaces arginine 402 with glutamine.
Molecular consequence: missense variant.
Genome position (GRCh38, 1-based): chr5:40,955,498, G>A. VCF-style: chr5-40955498-G-A. GRCh37 (hg19) VCF-style: chr5-40955600-G-A.
Other names: c.1205G>A (NM_000587.2); short protein forms R402Q.
Identifiers: ClinVar variation 1347654 (VCV001347654.8), dbSNP rs753530114, ClinGen allele CA3249885.
Genomic context (GRCh38, chr5:40,955,498, plus strand): 5'-CAGGCTTCATATCTGGCCTTAGTTACCTAGAGCTGGACAATCCTGCTGGAAACAAAAGGC[G>A]ATATTCTGCCTGGGCAGAATCTGTGACTAATCTTCCTCAAGTCATAAAACAAAAGGTATG-3'
Protein context (NP_000578.2, residues 392-412): ELDNPAGNKR[Arg402Gln]YSAWAESVTN

ClinVar aggregate classification (germline): Uncertain significance. Review status: criteria provided, multiple submitters, no conflicts (2 of 4 stars). 3 submissions from 3 submitters: Uncertain significance (3). Last evaluated 2025-04-02.

Conditions:
Inborn genetic diseases. Identifiers: MedGen C0950123, MeSH D030342.
Complement component 7 deficiency (C7D). Also called: C7 DEFICIENCY. Identifiers: MedGen C1864694, MONDO:0012412, OMIM 610102.

Allele frequency attached by ClinVar (database versions not stated): ExAC 0.00001; gnomAD 0.00005 and 0.00004; TOPMed 0.00005.
gnomAD v4.1: 35 of 1,613,360 alleles (0.0022%); highest among the groups gnomAD compares: Admixed American, 0.023%; no homozygotes.

Submissions (3):

Ambry Genetics
Classification: Uncertain significance for Inborn genetic diseases. Last evaluated: 2025-04-02. Review status: criteria provided, single submitter. Criteria: Ambry Variant Classification Scheme 2023. Collection method: clinical testing. Allele origin: germline.

Fulgent Genetics
Classification: Uncertain significance for Complement component 7 deficiency. Last evaluated: 2024-06-12. Review status: criteria provided, single submitter. Criteria: ACMG Guidelines, 2015. Collection method: clinical testing. Allele origin: germline.

Labcorp Genetics (formerly Invitae), Labcorp
Classification: Uncertain significance. Last evaluated: 2022-07-06. Review status: criteria provided, single submitter. Criteria: Invitae Variant Classification Sherloc (09022015). Collection method: clinical testing. Allele origin: germline.
Comment: This sequence change replaces arginine, which is basic and polar, with glutamine, which is neutral and polar, at codon 402 of the C7 protein (p.Arg402Gln). This variant is present in population databases (rs753530114, gnomAD 0.01%). This variant has not been reported in the literature in individuals affected with C7-related conditions. ClinVar contains an entry for this variant (Variation ID: 1347654). Algorithms developed to predict the effect of missense changes on protein structure and function (SIFT, PolyPhen-2, Align-GVGD) all suggest that this variant is likely to be tolerated. In summary, the available evidence is currently insufficient to determine the role of this variant in disease. Therefore, it has been classified as a Variant of Uncertain Significance.